The following is an entry in ClinVar:

NM_001013838.3(CARMIL2):c.37C>T (p.Arg13Ter)

Gene: CARMIL2 (capping protein regulator and myosin 1 linker 2; plus strand). Cytogenetic location: 16q22.1.
Variant type: single nucleotide variant.
Coding change: c.37C>T on transcript NM_001013838.3 (MANE Select); coding-DNA position 37, C replaced by T.
Protein change: p.Arg13Ter; replaces arginine 13 with a stop codon.
Molecular consequence: nonsense.
Genome position (GRCh38, 1-based): chr16:67,645,283, C>T. VCF-style: chr16-67645283-C-T. GRCh37 (hg19) VCF-style: chr16-67679186-C-T.
Other names: c.37C>T, p.Arg13Ter (NM_001317026.3); short protein forms R13*.
Identifiers: ClinVar variation 1388986 (VCV001388986.6), dbSNP rs534362264, ClinGen allele CA396328484.

ClinVar aggregate classification (germline): Pathogenic (1 of 4 stars; one submission).

Submission:

Labcorp Genetics (formerly Invitae), Labcorp
Classification: Pathogenic. Last evaluated: 2022-02-10. Review status: criteria provided, single submitter. Criteria: Invitae Variant Classification Sherloc (09022015). Collection method: clinical testing. Allele origin: germline.
Comment: This sequence change creates a premature translational stop signal (p.Arg13*) in the CARMIL2 gene. It is expected to result in an absent or disrupted protein product. Loss-of-function variants in CARMIL2 are known to be pathogenic (PMID: 27647349, 28112205). This variant is not present in population databases (gnomAD no frequency). This variant has not been reported in the literature in individuals affected with CARMIL2-related conditions. For these reasons, this variant has been classified as Pathogenic.

Literature cited by the submitters: PubMed 27647349; PubMed 28112205.